The following is an entry in ClinVar:

NM_017654.4(SAMD9):c.263T>G (p.Met88Arg)

Gene: SAMD9 (sterile alpha motif domain containing 9; minus strand). Cytogenetic location: 7q21.2.
Variant type: single nucleotide variant.
Coding change: c.263T>G on transcript NM_017654.4 (MANE Select); coding-DNA position 263, T replaced by G.
Protein change: p.Met88Arg; replaces methionine 88 with arginine.
Molecular consequence: missense variant.
Genome position (GRCh38, 1-based): chr7:93,105,835, A>C on the plus strand (T>G on the coding strand, the complement: SAMD9 is on the minus strand). VCF-style: chr7-93105835-A-C. GRCh37 (hg19) VCF-style: chr7-92735148-A-C.
Other names: c.263T>G, p.Met88Arg (NM_001193307.2); short protein forms M88R.
Identifiers: ClinVar variation 3363499 (VCV003363499.4).
Genomic context (GRCh38, chr7:93,105,835, plus strand): 5'-TCTCTACGTTCCTTTTGAGACACAGTTTGGTCTTTAGGAGCATTTTTACTGGGCTTTCCC[A>C]TCTTAGATGTCTGAATCGAATCTTCAATGGCTGTTTTCCGCAATTCTTTGAATAGTTCTT-3'
Protein context (NP_060124.2, residues 78-98): AIEDSIQTSK[Met88Arg]GKPSKNAPKD

ClinVar aggregate classification (germline): Uncertain significance. Review status: criteria provided, multiple submitters, no conflicts (2 of 4 stars). 3 submissions from 3 submitters: Uncertain significance (3). Last evaluated 2025-08-29.

Conditions:
Inborn genetic diseases. Identifiers: MedGen C0950123, MeSH D030342.

gnomAD v4.1: 5 of 1,614,026 alleles (0.00031%); highest among the groups gnomAD compares: African/African-American, 0.0067%; no homozygotes.

Submissions (3):

Ambry Genetics
Classification: Uncertain significance for Inborn genetic diseases. Last evaluated: 2025-08-29. Review status: criteria provided, single submitter. Criteria: Ambry Variant Classification Scheme 2023. Collection method: clinical testing. Allele origin: germline.
Comment: The p.M88R variant (also known as c.263T>G), located in coding exon 1 of the SAMD9 gene, results from a T to G substitution at nucleotide position 263. The methionine at codon 88 is replaced by arginine, an amino acid with similar properties. This amino acid position is conserved. In addition, this alteration is predicted to be tolerated by in silico analysis. Based on the available evidence, the clinical significance of this variant remains unclear.

Labcorp Genetics (formerly Invitae), Labcorp
Classification: Uncertain significance. Last evaluated: 2024-05-04. Review status: criteria provided, single submitter. Criteria: Invitae Variant Classification Sherloc (09022015). Collection method: clinical testing. Allele origin: germline.
Comment: This sequence change replaces methionine, which is neutral and non-polar, with arginine, which is basic and polar, at codon 88 of the SAMD9 protein (p.Met88Arg). This variant is present in population databases (no rsID available, gnomAD 0.01%). This variant has not been reported in the literature in individuals affected with SAMD9-related conditions. Advanced modeling of protein sequence and biophysical properties (such as structural, functional, and spatial information, amino acid conservation, physicochemical variation, residue mobility, and thermodynamic stability) performed at Invitae indicates that this missense variant is not expected to disrupt SAMD9 protein function with a negative predictive value of 95%. In summary, the available evidence is currently insufficient to determine the role of this variant in disease. Therefore, it has been classified as a Variant of Uncertain Significance.

GeneDx
Classification: Uncertain significance. Last evaluated: 2023-10-30. Review status: criteria provided, single submitter. Criteria: GeneDx Variant Classification Process June 2021. Collection method: clinical testing. Allele origin: germline. Affected: yes.
Comment: Not observed at significant frequency in large population cohorts (gnomAD); In silico analysis supports that this missense variant does not alter protein structure/function; Has not been previously published as pathogenic or benign to our knowledge